The following is an entry in ClinVar:

ClinVar aggregate classification (germline): Uncertain significance. Review status: criteria provided, multiple submitters, no conflicts (2 of 4 stars). 2 submissions from 2 submitters: Uncertain significance (2). Last evaluated 2026-06-10.

Conditions:
Autosomal recessive polycystic kidney disease (ARPKD). Also called: AR polycystic kidney disease. Identifiers: Orphanet 731, Orphanet 8378, MedGen C0085548, MeSH D017044, MONDO:0009889.
Polycystic kidney disease 4 (PKD4). Also called: PKD3; POLYCYSTIC KIDNEY DISEASE 4 WITH OR WITHOUT POLYCYSTIC LIVER DISEASE; POLYCYSTIC KIDNEY AND HEPATIC DISEASE 1; POLYCYSTIC KIDNEY DISEASE, INFANTILE, TYPE I; Autosomal Recessive Polycystic Kidney Disease – PKHD1. Identifiers: MedGen C4540575, MONDO:0033004, OMIM 263200.

Submissions (2):

Myriad Genetics, Inc.
Classification: Uncertain significance for Polycystic kidney disease 4. Last evaluated: 2026-06-10. Review status: criteria provided, single submitter. Criteria: Myriad Autosomal Dominant, Autosomal Recessive and X-Linked Classification Criteria (2023). Collection method: clinical testing. Allele origin: unknown.
Comment: NM_138694.3(PKHD1):c.11563_11565delGAG(E3855del) is an in-frame deletion classified as a variant of uncertain significance in the context of autosomal recessive polycystic kidney disease, PKHD1-related. E3855del has not been observed in cases with relevant disease. Relevant functional assessments of this variant are not available in the literature. E3855del has not been observed in referenced population frequency databases. In summary, there is insufficient evidence to classify NM_138694.3(PKHD1):c.11563_11565delGAG(E3855del) as pathogenic or benign. Please note: this variant was assessed in the context of healthy population screening.

Labcorp Genetics (formerly Invitae), Labcorp
Classification: Uncertain significance for Autosomal recessive polycystic kidney disease. Last evaluated: 2024-11-18. Review status: criteria provided, single submitter. Criteria: Invitae Variant Classification Sherloc (09022015). Collection method: clinical testing. Allele origin: germline.
Comment: This variant, c.11563_11565del, results in the deletion of 1 amino acid(s) of the PKHD1 protein (p.Glu3855del), but otherwise preserves the integrity of the reading frame. This variant is not present in population databases (gnomAD no frequency). This variant has not been reported in the literature in individuals affected with PKHD1-related conditions. ClinVar contains an entry for this variant (Variation ID: 2129961). Experimental studies and prediction algorithms are not available or were not evaluated, and the functional significance of this variant is currently unknown. In summary, the available evidence is currently insufficient to determine the role of this variant in disease. Therefore, it has been classified as a Variant of Uncertain Significance.

NM_138694.4(PKHD1):c.11563_11565del (p.Glu3855del)

Gene: PKHD1 (PKHD1 ciliary IPT domain containing fibrocystin/polyductin; minus strand). Cytogenetic location: 6p12.3.
Variant type: Deletion.
Coding change: c.11563_11565del on transcript NM_138694.4 (MANE Select); coding-DNA positions 11563 to 11565, 3 bases deleted (GAG; older notation c.11563_11565delGAG).
Protein change: p.Glu3855del; deletes glutamic acid 3855.
Molecular consequence: inframe deletion.
Genome position (GRCh38, 1-based): chr6:51,632,665-51,632,667, CTC deleted on the plus strand (GAG on the coding strand, the reverse complement: PKHD1 is on the minus strand); deleting any 3 consecutive bases within chr6:51,632,665-51,632,669 gives the same sequence; the c. name uses the placement nearest the transcript's 3' end. VCF-style (leftmost placement, unchanged base first): chr6-51632664-TCTC-T. GRCh37 (hg19) VCF-style: chr6-51497462-TCTC-T.
Other names: short protein forms E3855del.
Identifiers: ClinVar variation 2129961 (VCV002129961.5), dbSNP rs2533095051, ClinGen allele CA2580075418.